The following is an entry in ClinVar:

ClinVar aggregate classification (germline): Uncertain significance (1 of 4 stars; one submission).

Conditions:
Familial thoracic aortic aneurysm and aortic dissection (TAAD). Also called: Thoracic aortic aneurysms and dissections. Identifiers: Orphanet 91387, MedGen C4707243, MONDO:0019625.

gnomAD v4.1: 1 of 1,609,984 alleles (0.000062%); no homozygotes.

Submission:

Ambry Genetics
Classification: Uncertain significance for Familial thoracic aortic aneurysm and aortic dissection. Last evaluated: 2026-02-14. Review status: criteria provided, single submitter. Criteria: Ambry Variant Classification Scheme 2023. Collection method: clinical testing. Allele origin: germline.
Comment: The p.R249K variant (also known as c.746G>A), located in coding exon 4 of the TGFB2 gene, results from a G to A substitution at nucleotide position 746. The arginine at codon 249 is replaced by lysine, an amino acid with highly similar properties. This amino acid position is conserved. In addition, the in silico prediction for this alteration is inconclusive. Based on the available evidence, the clinical significance of this variant remains unclear.

NM_003238.6(TGFB2):c.746G>A (p.Arg249Lys)

Gene: TGFB2 (transforming growth factor beta 2; plus strand). Cytogenetic location: 1q41.
Variant type: single nucleotide variant.
Coding change: c.746G>A on transcript NM_003238.6 (MANE Select); coding-DNA position 746, G replaced by A.
Protein change: p.Arg249Lys; replaces arginine 249 with lysine.
Molecular consequence: missense variant. On other transcripts: non-coding transcript variant (2).
Genome position (GRCh38, 1-based): chr1:218,434,440, G>A. VCF-style: chr1-218434440-G-A. GRCh37 (hg19) VCF-style: chr1-218607782-G-A.
Other names: c.830G>A, p.Arg277Lys (NM_001135599.4); short protein forms R277K, R249K.
Identifiers: ClinVar variation 4824779 (VCV004824779.1).